The following is an entry in ClinVar:

NM_014625.4(NPHS2):c.547G>T (p.Asp183Tyr)

Gene: NPHS2 (NPHS2 stomatin family member, podocin; minus strand). Cytogenetic location: 1q25.2.
Variant type: single nucleotide variant.
Coding change: c.547G>T on transcript NM_014625.4 (MANE Select); coding-DNA position 547, G replaced by T.
Protein change: p.Asp183Tyr; replaces aspartic acid 183 with tyrosine.
Molecular consequence: missense variant. On other transcripts: intron variant (1).
Genome position (GRCh38, 1-based): chr1:179,557,218, C>A on the plus strand (G>T on the coding strand, the complement: NPHS2 is on the minus strand). VCF-style: chr1-179557218-C-A. GRCh37 (hg19) VCF-style: chr1-179526353-C-A.
Other names: c.534+2461G>T (NM_001297575.2); short protein forms D183Y.
Identifiers: ClinVar variation 1077039 (VCV001077039.1), dbSNP rs2125784628, ClinGen allele CA343568327.

ClinVar aggregate classification (germline): Uncertain significance (1 of 4 stars; one submission).

Conditions:
Nephrotic syndrome, type 2 (NPHS2). Also called: NEPHROTIC SYNDROME, STEROID-RESISTANT, AUTOSOMAL RECESSIVE. Identifiers: Orphanet 656, MedGen C1868672, MONDO:0010974, OMIM 600995.

Submission:

Precision Medicine Center, Zhengzhou University
Classification: Uncertain significance for Nephrotic syndrome, type 2. Review status: criteria provided, single submitter. Criteria: ACMG Guidelines, 2015. Collection method: research. Allele origin: germline. Affected: yes.
Comment: PM2:not found in gnomAD PP3:Multiple lines of computational evidence support a deleterious effect on the gene or gene product